The following is an entry in ClinVar:

ClinVar aggregate classification (germline): Uncertain significance. Review status: criteria provided, multiple submitters, no conflicts (2 of 4 stars). 2 submissions from 2 submitters: Uncertain significance (2). Last evaluated 2025-04-20.

Conditions:
Episodic kinesigenic dyskinesia (EKD). Also called: Paroxysmal kinesigenic dyskinesia. Identifiers: Orphanet 98809, MedGen C1868682, MONDO:0044202.
Inborn genetic diseases. Identifiers: MedGen C0950123, MeSH D030342.

Submissions (2):

Ambry Genetics
Classification: Uncertain significance for Inborn genetic diseases. Last evaluated: 2025-04-20. Review status: criteria provided, single submitter. Criteria: Ambry Variant Classification Scheme 2023. Collection method: clinical testing. Allele origin: germline.

Labcorp Genetics (formerly Invitae), Labcorp
Classification: Uncertain significance for Episodic kinesigenic dyskinesia. Last evaluated: 2024-10-23. Review status: criteria provided, single submitter. Criteria: Invitae Variant Classification Sherloc (09022015). Collection method: clinical testing. Allele origin: germline.
Comment: This sequence change replaces glycine, which is neutral and non-polar, with serine, which is neutral and polar, at codon 310 of the PRRT2 protein (p.Gly310Ser). This variant is not present in population databases (gnomAD no frequency). This variant has not been reported in the literature in individuals affected with PRRT2-related conditions. Invitae Evidence Modeling of protein sequence and biophysical properties (such as structural, functional, and spatial information, amino acid conservation, physicochemical variation, residue mobility, and thermodynamic stability) has been performed for this missense variant. However, the output from this modeling did not meet the statistical confidence thresholds required to predict the impact of this variant on PRRT2 protein function. In summary, the available evidence is currently insufficient to determine the role of this variant in disease. Therefore, it has been classified as a Variant of Uncertain Significance.

NM_145239.3(PRRT2):c.928G>A (p.Gly310Ser)

Genes: MVP-DT (MVP divergent transcript; minus strand), PRRT2 (proline rich transmembrane protein 2; plus strand). Cytogenetic location: 16p11.2.
Variant type: single nucleotide variant.
Coding change: c.928G>A on transcript NM_145239.3 (MANE Select); coding-DNA position 928, G replaced by A.
Protein change: p.Gly310Ser; replaces glycine 310 with serine.
Molecular consequence: missense variant. On other transcripts: 3 prime UTR variant (1).
Genome position (GRCh38, 1-based): chr16:29,814,381, G>A. VCF-style: chr16-29814381-G-A. GRCh37 (hg19) VCF-style: chr16-29825702-G-A.
Other names: c.928G>A, p.Gly310Ser (NM_001256442.2); c.*427G>A (NM_001256443.2); c.928G>A (NM_145239.2); short protein forms G310S.
Identifiers: ClinVar variation 3617354 (VCV003617354.3).
Genomic context (GRCh38, chr16:29,814,381, plus strand): 5'-CCCTAACCCCAGTCCCGGAACAGCCTGCAGCAGGGGGACGTGGACGGGGCCCAGCGTCTG[G>A]GCCGGGTAGCCAAGCTCTTAAGCATCGTGGCGCTGGTGGGGGGAGTCCTCATCATCATCG-3'
Protein context (NP_660282.2, residues 300-320): QGDVDGAQRL[Gly310Ser]RVAKLLSIVA